The following is an entry in ClinVar:

NM_022124.6(CDH23):c.9726del (p.Ser3243fs)

Gene: CDH23 (cadherin related 23; plus strand). Cytogenetic location: 10q22.1.
Variant type: Deletion.
Coding change: c.9726del on transcript NM_022124.6 (MANE Select); coding-DNA position 9726, one base deleted (C; older notation c.9726delC).
Protein change: p.Ser3243fs; shifts the reading frame from serine 3243.
Molecular consequence: frameshift variant. On other transcripts: intron variant (2).
Genome position (GRCh38, 1-based): chr10:71,813,336, C deleted; the last of 2 consecutive C bases (chr10:71,813,335-71,813,336); deleting either gives the same sequence. VCF-style (leftmost placement, unchanged base first): chr10-71813334-TC-T. GRCh37 (hg19) VCF-style: chr10-73573091-TC-T.
Other names: c.3006del, p.Ser1003fs (NM_001171933.1); c.417del, p.Ser140fs (NM_001171935.1); c.2913+446del (NM_001171934.1); c.324+446del (NM_001171936.1); c.9726del (NM_022124.5); short protein forms S1003fs, S140fs, S3243fs.
Identifiers: ClinVar variation 985511 (VCV000985511.13), dbSNP rs767176528, ClinGen allele CA5547154.
Genomic context (GRCh38, chr10:71,813,334, plus strand): 5'-TACCTGCGGCTCAAAAAGCTCTTTGCACAGCGGATGGTGCAAAAAGCCTCCTCCTGCCAC[TC>T]CTCCATCTCTGAGGTAGCCGGCTGGGTGGCTGGGAGCTGTGTGCTGTGCCCCAGCCTGGG-3'

ClinVar aggregate classification (germline): Uncertain significance. Review status: criteria provided, multiple submitters, no conflicts (2 of 4 stars). 9 submissions from 9 submitters: Uncertain significance (8). 1 of the submissions does not count toward it. Last evaluated 2026-06-21.

Conditions:
CDH23-related disorder. Also called: CDH23-related disorders; CDH23-related condition.
Pituitary adenoma 5, multiple types. Identifiers: MedGen C4539685, MONDO:0054601, OMIM 617540.
Childhood onset hearing loss.
Inborn genetic diseases. Identifiers: MedGen C0950123, MeSH D030342.
Usher syndrome type 1 (USH1). Also called: RETINITIS PIGMENTOSA AND CONGENITAL DEAFNESS. Identifiers: Orphanet 231169, Orphanet 886, MedGen C1568247, MONDO:0010168, OMIM 276900.

Submissions (9):

PreventionGenetics, part of Exact Sciences
Classification: Uncertain significance for CDH23-related condition. Last evaluated: 2026-06-21. Review status: criteria provided, single submitter. Criteria: ACMG Guidelines, 2015. Collection method: clinical testing. Allele origin: germline.
Comment: The CDH23 c.9726delC variant is predicted to result in a frameshift and premature protein termination (p.Ser3243Profs*5). This variant was reported in the compound heterozygous state in an individual with hearing loss (Adeyemo et al. 2022. PubMed ID: 34837038). This variant is reported in 0.10% of alleles in individuals of African descent in gnomAD. Although we suspect that this variant may be pathogenic, at this time, the clinical significance of this variant is uncertain due to the absence of conclusive functional and genetic evidence.

GeneDx
Classification: Uncertain significance. Last evaluated: 2024-12-03. Review status: criteria provided, single submitter. Criteria: GeneDx Variant Classification Process June 2021. Collection method: clinical testing. Allele origin: germline. Affected: yes.
Comment: Identified in a patient with hearing loss in published literature who had pathogenic variants in other genes associated with hearing loss (PMID: 34837038); Frameshift variant predicted to result in abnormal protein length as the last 112 amino acid(s) are replaced with 4 different amino acid(s); This variant is associated with the following publications: (PMID: 34837038)

Blueprint Genetics
Classification: Uncertain significance. Last evaluated: 2024-03-11. Review status: criteria provided, single submitter. Criteria: ACMG Guidelines, 2015. Collection method: clinical testing. Allele origin: germline.

Baylor Genetics
Classification: Uncertain significance for Pituitary adenoma 5, multiple types. Last evaluated: 2023-08-28. Review status: criteria provided, single submitter. Criteria: ACMG Guidelines, 2015. Collection method: clinical testing. Allele origin: unknown.

Women's Health and Genetics/Laboratory Corporation of America, LabCorp
Classification: Uncertain significance. Last evaluated: 2022-11-10. Review status: criteria provided, single submitter. Criteria: LabCorp Variant Classification Summary - May 2015. Collection method: clinical testing. Allele origin: germline.
Comment: Variant summary: CDH23 c.9726delC (p.Ser3243ProfsX5) results in a premature termination codon in the penultimate exon of the gene. While this variant is not expected to result in nonsense mediated decay, it is predicted to disrupt the last 112 amino acids of the protein. Downstream truncating variants have not been reported in HGMD. The variant allele was found at a frequency of 6.4e-05 in 156562 control chromosomes. This frequency is not significantly higher than expected for a pathogenic variant in CDH23 causing Usher Syndrome (6.4e-05 vs 0.0032), allowing no conclusion about variant significance. c.9726delC has been reported in the literature in one individual affected with hearing loss, however, variants in other genes known to be associated with hearing loss were also identified (Adeyemo_2021). To our knowledge, no experimental evidence demonstrating an impact on protein function has been reported. Four clinical diagnostic laboratories have submitted clinical-significance assessments for this variant to ClinVar after 2014 without evidence for independent evaluation. All laboratories classified the variant as uncertain significance. Based on the evidence outlined above, the variant was classified as uncertain significance.

Labcorp Genetics (formerly Invitae), Labcorp
Classification: Uncertain significance. Last evaluated: 2022-10-04. Review status: criteria provided, single submitter. Criteria: Invitae Variant Classification Sherloc (09022015). Collection method: clinical testing. Allele origin: germline.
Comment: This sequence change creates a premature translational stop signal (p.Ser3243Profs*5) in the CDH23 gene. While this is not anticipated to result in nonsense mediated decay, it is expected to disrupt the last 112 amino acid(s) of the CDH23 protein. This variant is present in population databases (rs767176528, gnomAD 0.09%). This variant has not been reported in the literature in individuals affected with CDH23-related conditions. ClinVar contains an entry for this variant (Variation ID: 985511). Experimental studies and prediction algorithms are not available or were not evaluated, and the functional significance of this variant is currently unknown. In summary, the available evidence is currently insufficient to determine the role of this variant in disease. Therefore, it has been classified as a Variant of Uncertain Significance.

National Institute on Deafness and Communication Disorders, National Institutes of Health
Classification: Uncertain significance for Childhood onset hearing loss. Last evaluated: 2021-07-08. Review status: criteria provided, single submitter. Criteria: ClinGen HL ACMG Specifications v1. Collection method: research. Allele origin: germline. Inheritance: Autosomal recessive inheritance. Affected: yes. Observed: 1 heterozygote. Segregation with disease not observed.
Comment: PVS1 / Modifications from PMID: 30311386 for classification: The genetic causes of hearing loss have not yet been well characterized in the Yoruba population, and the information regarding variant MAF in this population is still limited, so we did not exclude any variant based on their "high" MAF. PP3 criteria was applied even if the REVEL score was below 0.7, if at least two of the pathogenicity prediction algorithms used predicted that the variant was damaging or likely damaging.

was found associated with NM_022124.6:c.5505G>A

Ambry Genetics
Classification: Uncertain significance for Inborn genetic diseases. Last evaluated: 2017-11-24. Review status: criteria provided, single submitter. Criteria: Ambry exome assertion method (8-5-2015). Collection method: clinical testing. Allele origin: germline. Affected: yes. Observed: 1 variant allele.

Natera, Inc.
Classification: Uncertain significance for Usher syndrome type 1. Last evaluated: 2020-01-16. Review status: no assertion criteria provided. Collection method: clinical testing. Allele origin: germline. Not counted in ClinVar's aggregate classification.

Literature cited by the submitters: PubMed 34837038 (cited by Women's Health and Genetics/Laboratory Corporation of America, LabCorp).